The following is an entry in ClinVar:

ClinVar aggregate classification (germline): Uncertain significance. Review status: criteria provided, multiple submitters, no conflicts (2 of 4 stars). 4 submissions from 4 submitters: Uncertain significance (3). 1 of the submissions does not count toward it. Last evaluated 2021-12-07.

Conditions:
Inborn genetic diseases. Identifiers: MedGen C0950123, MeSH D030342.
Jeune thoracic dystrophy. Also called: Short-rib thoracic dysplasia; Jeune syndrome; Infantile thoracic dystrophy; Thoracic pelvic phalangeal dystrophy; Jeune's syndrome; Chondroectodermal dysplasia-like syndrome. Identifiers: Orphanet 474, MedGen C0265275, MONDO:0018770.
DYNC2H1-related disorder. Also called: DYNC2H1-related disorders; DYNC2H1-related condition. Identifiers: MedGen CN378770.
Asphyxiating thoracic dystrophy 3. Also called: SHORT-RIB THORACIC DYSPLASIA 3 WITH OR WITHOUT POLYDACTYLY; POLYDACTYLY WITH NEONATAL CHONDRODYSTROPHY, TYPE I; SHORT-RIB THORACIC DYSPLASIA 3/6 WITH POLYDACTYLY, DIGENIC; Short rib polydactyly syndrome 2B; Saldino-Noonan Syndrome. Identifiers: Orphanet 474, Orphanet 93269, Orphanet 93270, Orphanet 93271, MedGen C0036069, MONDO:0013127, OMIM 613091.

Allele frequency attached by ClinVar (database versions not stated): gnomAD below 0.00001 and 0.00003; gnomAD exomes 0.00007 and 0.00011; 1000 Genomes Project 0.00020; ExAC 0.00038; TOPMed 0.00004; 1000 Genomes Project 30x 0.00031.
gnomAD v4.1: 103 of 1,502,404 alleles (0.0069%); highest among the groups gnomAD compares: South Asian, 0.12%; 2 homozygotes.

Submissions (4):

Ambry Genetics
Classification: Uncertain significance for Inborn genetic diseases. Last evaluated: 2021-12-07. Review status: criteria provided, single submitter. Criteria: Ambry Variant Classification Scheme 2023. Collection method: clinical testing. Allele origin: germline.

Labcorp Genetics (formerly Invitae), Labcorp
Classification: Uncertain significance for Jeune thoracic dystrophy. Last evaluated: 2021-08-28. Review status: criteria provided, single submitter. Criteria: Invitae Variant Classification Sherloc (09022015). Collection method: clinical testing. Allele origin: germline.
Comment: This sequence change replaces aspartic acid with valine at codon 2835 of the DYNC2H1 protein (p.Asp2835Val). The aspartic acid residue is moderately conserved and there is a large physicochemical difference between aspartic acid and valine. This variant is present in population databases (rs540042560, ExAC 0.09%). This variant has not been reported in the literature in individuals affected with DYNC2H1-related conditions. ClinVar contains an entry for this variant (Variation ID: 879604). Advanced modeling of protein sequence and biophysical properties (such as structural, functional, and spatial information, amino acid conservation, physicochemical variation, residue mobility, and thermodynamic stability) performed at Invitae indicates that this missense variant is not expected to disrupt DYNC2H1 protein function. In summary, the available evidence is currently insufficient to determine the role of this variant in disease. Therefore, it has been classified as a Variant of Uncertain Significance.

Illumina Laboratory Services, Illumina
Classification: Uncertain significance for Asphyxiating thoracic dystrophy 3. Last evaluated: 2018-02-02. Review status: criteria provided, single submitter. Criteria: ICSL Variant Classification Criteria 13 December 2019. Collection method: clinical testing. Allele origin: germline.

PreventionGenetics, part of Exact Sciences
Classification: Uncertain significance for DYNC2H1-related condition. Last evaluated: 2024-03-25. Review status: no assertion criteria provided. Collection method: clinical testing. Allele origin: germline. Not counted in ClinVar's aggregate classification.
Comment: The DYNC2H1 c.8504A>T variant is predicted to result in the amino acid substitution p.Asp2835Val. To our knowledge, this variant has not been reported in the literature. This variant is reported in 0.082% of alleles in individuals of South Asian descent in gnomAD. At this time, the clinical significance of this variant is uncertain due to the absence of conclusive functional and genetic evidence.

NM_001377.3(DYNC2H1):c.8504A>T (p.Asp2835Val)

Gene: DYNC2H1 (dynein cytoplasmic 2 heavy chain 1; plus strand). Cytogenetic location: 11q22.3.
Variant type: single nucleotide variant.
Coding change: c.8504A>T on transcript NM_001377.3 (MANE Select); coding-DNA position 8504, A replaced by T.
Protein change: p.Asp2835Val; replaces aspartic acid 2835 with valine.
Molecular consequence: missense variant.
Genome position (GRCh38, 1-based): chr11:103,209,925, A>T. VCF-style: chr11-103209925-A-T. GRCh37 (hg19) VCF-style: chr11-103080654-A-T.
Other names: c.8504A>T, p.Asp2835Val (NM_001080463.2); short protein forms D2835V.
Identifiers: ClinVar variation 879604 (VCV000879604.10), dbSNP rs540042560, ClinGen allele CA6254470.